The following is an entry in ClinVar:

ClinVar aggregate classification (germline): Benign/Likely benign. Review status: criteria provided, multiple submitters, no conflicts (2 of 4 stars). 7 submissions from 7 submitters: Benign (2); Likely benign (5). Last evaluated 2025-11-05.

Conditions:
Hereditary cancer-predisposing syndrome. Also called: Tumor predisposition; Neoplastic Syndromes, Hereditary; Hereditary Cancer Syndrome; Hereditary neoplastic syndrome. Identifiers: Orphanet 140162, MedGen C0027672, MeSH D009386, MONDO:0015356.
Tuberous sclerosis syndrome (TSC). Also called: Tuberous Sclerosis Complex; Tuberous sclerosis. Identifiers: Orphanet 805, MedGen C0041341, MONDO:0001734.
Tuberous sclerosis 2 (TSC2). Identifiers: Orphanet 805, MedGen C1860707, MONDO:0013199, OMIM 613254.

Allele frequency attached by ClinVar (database versions not stated): 1000 Genomes Project 30x 0.00016.
gnomAD v4.1: 12 of 1,612,982 alleles (0.00074%); highest among the groups gnomAD compares: South Asian, 0.0033%; no homozygotes.

Submissions (7):

Labcorp Genetics (formerly Invitae), Labcorp
Classification: Likely benign for Tuberous sclerosis 2. Last evaluated: 2025-11-05. Review status: criteria provided, single submitter. Criteria: Invitae Variant Classification Sherloc (09022015). Collection method: clinical testing. Allele origin: germline.

Myriad Genetics, Inc.
Classification: Benign for Tuberous sclerosis 2. Last evaluated: 2025-05-30. Review status: criteria provided, single submitter. Criteria: Myriad Autosomal Dominant, Autosomal Recessive and X-Linked Classification Criteria (2023). Collection method: clinical testing. Allele origin: unknown.
Comment: This variant is considered benign. This variant is a silent/synonymous amino acid change and it is not expected to impact splicing.

Color Diagnostics, LLC DBA Color Health
Classification: Likely benign for Tuberous sclerosis syndrome. Last evaluated: 2022-10-03. Review status: criteria provided, single submitter. Criteria: ACMG Guidelines, 2015. Collection method: clinical testing. Allele origin: germline.

Sema4
Classification: Likely benign for Hereditary cancer-predisposing syndrome. Last evaluated: 2022-03-09. Review status: criteria provided, single submitter. Criteria: Sema4 Curation Guidelines. Collection method: curation. Allele origin: germline.

Genome-Nilou Lab
Classification: Benign for Tuberous sclerosis 2. Last evaluated: 2021-11-07. Review status: criteria provided, single submitter. Criteria: ACMG Guidelines, 2015. Collection method: clinical testing. Allele origin: germline. Affected: no.

Ambry Genetics
Classification: Likely benign for Hereditary cancer-predisposing syndrome. Last evaluated: 2018-04-13. Review status: criteria provided, single submitter. Criteria: Ambry Variant Classification Scheme 2023. Collection method: clinical testing. Allele origin: germline.

GeneDx
Classification: Likely benign. Last evaluated: 2017-03-16. Review status: criteria provided, single submitter. Criteria: GeneDx Variant Classification (06012015). Collection method: clinical testing. Allele origin: germline. Affected: yes.
Comment: This variant is considered likely benign or benign based on one or more of the following criteria: it is a conservative change, it occurs at a poorly conserved position in the protein, it is predicted to be benign by multiple in silico algorithms, and/or has population frequency not consistent with disease.

NM_000548.5(TSC2):c.3681C>T (p.Pro1227=)

Gene: TSC2 (TSC complex subunit 2; plus strand). Cytogenetic location: 16p13.3.
Variant type: single nucleotide variant.
Coding change: c.3681C>T on transcript NM_000548.5 (MANE Select); coding-DNA position 3681, C replaced by T.
Protein change: p.Pro1227=; no amino-acid change (proline 1227 retained).
Molecular consequence: synonymous variant.
Genome position (GRCh38, 1-based): chr16:2,081,665, C>T. VCF-style: chr16-2081665-C-T. GRCh37 (hg19) VCF-style: chr16-2131666-C-T.
Other names: c.3549C>T, p.Pro1183= (NM_001077183.3, NM_001370404.1); c.3681C>T, p.Pro1227= (NM_001114382.3); c.3441C>T, p.Pro1147= (NM_001318827.2); c.3405C>T, p.Pro1135= (NM_001318829.2); c.2949C>T, p.Pro983= (NM_001318831.2); c.3582C>T, p.Pro1194= (NM_001318832.2); c.3552C>T, p.Pro1184= (NM_001363528.2, NM_001370405.1, NM_021055.3).
Identifiers: ClinVar variation 413629 (VCV000413629.21), dbSNP rs181279399, ClinGen allele CA048065.